The following is an entry in ClinVar:

NM_053025.4(MYLK):c.2330T>C (p.Phe777Ser)

Gene: MYLK (myosin light chain kinase; minus strand). Cytogenetic location: 3q21.1.
Variant type: single nucleotide variant.
Coding change: c.2330T>C on transcript NM_053025.4 (MANE Select); coding-DNA position 2330, T replaced by C.
Protein change: p.Phe777Ser; replaces phenylalanine 777 with serine.
Molecular consequence: missense variant.
Genome position (GRCh38, 1-based): chr3:123,707,814, A>G on the plus strand (T>C on the coding strand, the complement: MYLK is on the minus strand). VCF-style: chr3-123707814-A-G. GRCh37 (hg19) VCF-style: chr3-123426661-A-G.
Other names: c.1802T>C, p.Phe601Ser (NM_001321309.2); c.2123T>C, p.Phe708Ser (NM_053026.4, NM_053028.4); c.2330T>C, p.Phe777Ser (NM_053027.4); short protein forms F777S, F601S, F708S.
Identifiers: ClinVar variation 2915048 (VCV002915048.3), dbSNP rs2061520567, ClinGen allele CA354233773.

ClinVar aggregate classification (germline): Uncertain significance (1 of 4 stars; one submission).

Conditions:
Aortic aneurysm, familial thoracic 7 (AAT7). Also called: AORTIC DISSECTION, FAMILIAL, WITH OR WITHOUT AORTIC ANEURYSM. Identifiers: MedGen C3151077, MONDO:0013418, OMIM 613780.

Allele frequency attached by ClinVar (database versions not stated): gnomAD exomes below 0.00001; gnomAD 0.00001.
gnomAD v4.1: 3 of 1,614,100 alleles (0.00019%); highest among the groups gnomAD compares: Admixed American, 0.0017%; no homozygotes.

Submission:

Labcorp Genetics (formerly Invitae), Labcorp
Classification: Uncertain significance for Aortic aneurysm, familial thoracic 7. Last evaluated: 2023-05-22. Review status: criteria provided, single submitter. Criteria: Invitae Variant Classification Sherloc (09022015). Collection method: clinical testing. Allele origin: germline.
Comment: In summary, the available evidence is currently insufficient to determine the role of this variant in disease. Therefore, it has been classified as a Variant of Uncertain Significance. Advanced modeling of protein sequence and biophysical properties (such as structural, functional, and spatial information, amino acid conservation, physicochemical variation, residue mobility, and thermodynamic stability) performed at Invitae indicates that this missense variant is not expected to disrupt MYLK protein function. This variant has not been reported in the literature in individuals affected with MYLK-related conditions. This variant is not present in population databases (gnomAD no frequency). This sequence change replaces phenylalanine, which is neutral and non-polar, with serine, which is neutral and polar, at codon 777 of the MYLK protein (p.Phe777Ser).